The following is an entry in ClinVar:

ClinVar aggregate classification (germline): Likely benign. Review status: criteria provided, multiple submitters, no conflicts (2 of 4 stars). 4 submissions from 4 submitters: Likely benign (4). Last evaluated 2024-11-27.

Conditions:
Autosomal recessive inherited pseudoxanthoma elasticum (PXE). Identifiers: Orphanet 758, MedGen CN032334, MONDO:0009925, OMIM 264800.
Pseudoxanthoma elasticum, forme fruste. Also called: PSEUDOXANTHOMA ELASTICUM, HETEROZYGOUS; Pseudoxanthoma Elasticum, Incomplete. Identifiers: Orphanet 758, MedGen C1867450, MONDO:0008333, OMIM 177850.
Arterial calcification, generalized, of infancy, 2. Identifiers: Orphanet 51608, MedGen C3276161, MONDO:0013768, OMIM 614473.

Allele frequency attached by ClinVar (database versions not stated): 1000 Genomes Project 30x 0.00500; 1000 Genomes Project 0.00539; ESP Exome Variant Server 0.00837; TOPMed 0.01124; gnomAD exomes 0.01216 and 0.01859; gnomAD 0.01313 and 0.01326; ExAC 0.01433.
gnomAD v4.1: 28,720 of 1,592,430 alleles (1.8%); highest among the groups gnomAD compares: Non-Finnish European, 2.1%; 416 homozygotes.

Submissions (4):

Blueprint Genetics
Classification: Likely benign. Last evaluated: 2024-11-27. Review status: criteria provided, single submitter. Criteria: ACMG Guidelines, 2015. Collection method: clinical testing. Allele origin: germline.

Fulgent Genetics
Classification: Likely benign for Pseudoxanthoma elasticum, forme fruste; Autosomal recessive inherited pseudoxanthoma elasticum; Arterial calcification, generalized, of infancy, 2. Last evaluated: 2022-01-11. Review status: criteria provided, single submitter. Criteria: ACMG Guidelines, 2015. Collection method: clinical testing. Allele origin: unknown.

GeneDx
Classification: Likely benign. Last evaluated: 2017-09-13. Review status: criteria provided, single submitter. Criteria: GeneDx Variant Classification (06012015). Collection method: clinical testing. Allele origin: germline. Affected: yes.
Comment: This variant is considered likely benign or benign based on one or more of the following criteria: it is a conservative change, it occurs at a poorly conserved position in the protein, it is predicted to be benign by multiple in silico algorithms, and/or has population frequency not consistent with disease.

Breakthrough Genomics
Classification: Likely benign. Review status: criteria provided, single submitter. Criteria: ACMG Guidelines, 2015. Collection method: not provided. Allele origin: germline. Inheritance: Autosomal recessive inheritance. Affected: yes.

NM_001171.6(ABCC6):c.474+13G>A

Gene: ABCC6 (ATP binding cassette subfamily C member 6; minus strand). Cytogenetic location: 16p13.11.
Variant type: single nucleotide variant.
Coding change: c.474+13G>A on transcript NM_001171.6 (MANE Select); 13 bases into the intron after coding-DNA position 474, G replaced by A.
Molecular consequence: intron variant.
Genome position (GRCh38, 1-based): chr16:16,219,541, C>T on the plus strand (G>A on the coding strand, the complement: ABCC6 is on the minus strand). VCF-style: chr16-16219541-C-T. GRCh37 (hg19) VCF-style: chr16-16313398-C-T.
Other names: c.132+13G>A (NM_001351800.1).
Identifiers: ClinVar variation 506398 (VCV000506398.4), dbSNP rs111339199, ClinGen allele CA7926641.
Genomic context (GRCh38, chr16:16,219,541, plus strand): 5'-GGAGGAGAAAGGAAGGGACCCAAGGCATGAGCCACCATTTTGGTTTCCCAGGGTGGCCCA[C>T]GCCCCGACTTACCGCTCCGGAGGCCTGCTGGGCAGCGTTGGTAGCTGGCAAGACAAAGCA-3'